The following is an entry in ClinVar:

NM_000051.4(ATM):c.8440G>T (p.Glu2814Ter)

Genes: ATM (ATM serine/threonine kinase; plus strand), C11orf65 (chromosome 11 open reading frame 65; minus strand). Cytogenetic location: 11q22.3.
Variant type: single nucleotide variant.
Coding change: c.8440G>T on transcript NM_000051.4 (MANE Select); coding-DNA position 8440, G replaced by T.
Protein change: p.Glu2814Ter; replaces glutamic acid 2814 with a stop codon.
Molecular consequence: nonsense. On other transcripts: intron variant (2).
Genome position (GRCh38, 1-based): chr11:108,345,764, G>T. VCF-style: chr11-108345764-G-T. GRCh37 (hg19) VCF-style: chr11-108216491-G-T.
Other names: c.8440G>T, p.Glu2814Ter (NM_001351834.2); c.641-36693C>A (NM_001330368.2); c.695-10472C>A (NM_001351110.2); short protein forms E2814*.
Identifiers: ClinVar variation 2748505 (VCV002748505.4), dbSNP rs2137025722, ClinGen allele CA382517815.
Genomic context (GRCh38, chr11:108,345,764, plus strand): 5'-CAATATTGAAAAATAATTATATATATTCTCTATTTAAAGGAGGTGCAAAAAAAGTCTTTT[G>T]AAGAGAAATATGAAGTCTTCATGGATGTTTGCCAAAATTTTCAACCAGTTTTCCGTTACT-3'

ClinVar aggregate classification (germline): Pathogenic. Review status: criteria provided, multiple submitters, no conflicts (2 of 4 stars). 2 submissions from 2 submitters: Pathogenic (2). Last evaluated 2024-02-02.

Conditions:
Ataxia-telangiectasia syndrome (AT). Also called: LOUIS-BAR SYNDROME; Cerebello-oculocutaneous telangiectasia; Immunodeficiency with ataxia telangiectasia; Ataxia telangiectasia (A-T); Ataxia-telangiectasia, complementation group D; AT, COMPLEMENTATION GROUP C. Identifiers: Orphanet 100, MedGen C0004135, MONDO:0008840, OMIM 208900.
Familial cancer of breast. Also called: BREAST CANCER, FAMILIAL; Hereditary breast cancer; hereditary breast carcinoma. Identifiers: Orphanet 227535, MedGen C0346153, MONDO:0016419, OMIM 114480. Disease mechanism: loss of function.

Submissions (2):

Myriad Genetics, Inc.
Classification: Pathogenic for Familial cancer of breast. Last evaluated: 2024-02-02. Review status: criteria provided, single submitter. Criteria: Myriad Autosomal Dominant, Autosomal Recessive and X-Linked Classification Criteria (2023). Collection method: clinical testing. Allele origin: unknown.
Comment: This variant is considered pathogenic. This variant creates a termination codon and is predicted to result in premature protein truncation.

Labcorp Genetics (formerly Invitae), Labcorp
Classification: Pathogenic for Ataxia-telangiectasia syndrome. Last evaluated: 2023-09-03. Review status: criteria provided, single submitter. Criteria: Invitae Variant Classification Sherloc (09022015). Collection method: clinical testing. Allele origin: germline.
Comment: This sequence change creates a premature translational stop signal (p.Glu2814*) in the ATM gene. It is expected to result in an absent or disrupted protein product. Loss-of-function variants in ATM are known to be pathogenic (PMID: 23807571, 25614872). For these reasons, this variant has been classified as Pathogenic. Algorithms developed to predict the effect of sequence changes on RNA splicing suggest that this variant may disrupt the consensus splice site. This variant has not been reported in the literature in individuals affected with ATM-related conditions. This variant is not present in population databases (gnomAD no frequency).

Literature cited by the submitters: PubMed 23807571 (cited by Labcorp Genetics (formerly Invitae), Labcorp); PubMed 25614872 (cited by Labcorp Genetics (formerly Invitae), Labcorp).